The following is an entry in ClinVar:

NM_000256.3(MYBPC3):c.2926C>T (p.Pro976Ser)

Gene: MYBPC3 (myosin binding protein C3; minus strand). Cytogenetic location: 11p11.2.
Variant type: single nucleotide variant.
Coding change: c.2926C>T on transcript NM_000256.3 (MANE Select); coding-DNA position 2926, C replaced by T.
Protein change: p.Pro976Ser; replaces proline 976 with serine.
Molecular consequence: missense variant.
Genome position (GRCh38, 1-based): chr11:47,333,990, G>A on the plus strand (C>T on the coding strand, the complement: MYBPC3 is on the minus strand). VCF-style: chr11-47333990-G-A. GRCh37 (hg19) VCF-style: chr11-47355541-G-A.
Other names: short protein forms P976S.
Identifiers: ClinVar variation 2773713 (VCV002773713.4), dbSNP rs2495742825, ClinGen allele CA380315992.

ClinVar aggregate classification (germline): Uncertain significance. Review status: criteria provided, multiple submitters, no conflicts (2 of 4 stars). 3 submissions from 3 submitters: Uncertain significance (3). Last evaluated 2025-05-04.

Conditions:
Cardiovascular phenotype. Identifiers: MedGen CN230736.
Hypertrophic cardiomyopathy. Also called: HYPERTROPHIC MYOCARDIOPATHY. Identifiers: Orphanet 217569, MedGen C0007194, MeSH D002312, MONDO:0005045, HP:0001639.
Cardiomyopathy (CMYO). Also called: Cardiomyopathies. Identifiers: Orphanet 167848, MedGen C0878544, MONDO:0004994, HP:0001638. Inheritance: Various modes of inheritance.

Submissions (3):

Labcorp Genetics (formerly Invitae), Labcorp
Classification: Uncertain significance for Hypertrophic cardiomyopathy. Last evaluated: 2025-05-04. Review status: criteria provided, single submitter. Criteria: Invitae Variant Classification Sherloc (09022015). Collection method: clinical testing. Allele origin: germline.
Comment: This sequence change replaces proline, which is neutral and non-polar, with serine, which is neutral and polar, at codon 976 of the MYBPC3 protein (p.Pro976Ser). This variant is not present in population databases (gnomAD no frequency). This variant has not been reported in the literature in individuals affected with MYBPC3-related conditions. ClinVar contains an entry for this variant (Variation ID: 2773713). An algorithm developed to predict the effect of missense changes on protein structure and function (PolyPhen-2) suggests that this variant is likely to be disruptive. In summary, the available evidence is currently insufficient to determine the role of this variant in disease. Therefore, it has been classified as a Variant of Uncertain Significance.

Ambry Genetics
Classification: Uncertain significance for Cardiovascular phenotype. Last evaluated: 2025-03-31. Review status: criteria provided, single submitter. Criteria: Ambry Variant Classification Scheme 2023. Collection method: clinical testing. Allele origin: germline.
Comment: The p.P976S variant (also known as c.2926C>T), located in coding exon 28 of the MYBPC3 gene, results from a C to T substitution at nucleotide position 2926. The proline at codon 976 is replaced by serine, an amino acid with similar properties. This amino acid position is conserved. In addition, the in silico prediction for this alteration is inconclusive. Based on the available evidence, the clinical significance of this variant remains unclear.

Color Diagnostics, LLC DBA Color Health
Classification: Uncertain significance for Cardiomyopathy. Last evaluated: 2023-09-12. Review status: criteria provided, single submitter. Criteria: ACMG Guidelines, 2015. Collection method: clinical testing. Allele origin: germline.
Comment: This missense variant replaces proline with serine at codon 976 of the MYBPC3 protein. Computational prediction is inconclusive regarding the impact of this variant on protein structure and function (internally defined REVEL score threshold 0.5 < inconclusive < 0.7, PMID: 27666373). To our knowledge, functional studies have not been reported for this variant. This variant has not been reported in individuals affected with MYBPC3-related disorders in the literature. This variant has not been identified in the general population by the Genome Aggregation Database (gnomAD). The available evidence is insufficient to determine the role of this variant in disease conclusively. Therefore, this variant is classified as a Variant of Uncertain Significance.